The following is an entry in ClinVar:

ClinVar aggregate classification (germline): Pathogenic (1 of 4 stars; one submission).

Submission:

Labcorp Genetics (formerly Invitae), Labcorp
Classification: Pathogenic. Last evaluated: 2023-05-29. Review status: criteria provided, single submitter. Criteria: Invitae Variant Classification Sherloc (09022015). Collection method: clinical testing. Allele origin: germline.
Comment: This sequence change creates a premature translational stop signal (p.Thr163Profs*19) in the PCARE gene. It is expected to result in an absent or disrupted protein product. Loss-of-function variants in PCARE are known to be pathogenic (PMID: 20398886, 24339724, 26496393). This variant is not present in population databases (gnomAD no frequency). For these reasons, this variant has been classified as Pathogenic. This variant has not been reported in the literature in individuals affected with PCARE-related conditions.

Literature cited by the submitters: PubMed 20398886; PubMed 24339724; PubMed 26496393.

NM_001029883.3(PCARE):c.487del (p.Thr163fs)

Gene: PCARE (photoreceptor cilium actin regulator; minus strand). Cytogenetic location: 2p23.2.
Variant type: Deletion.
Coding change: c.487del on transcript NM_001029883.3 (MANE Select); coding-DNA position 487, one base deleted (A; older notation c.487delA).
Protein change: p.Thr163fs; shifts the reading frame from threonine 163.
Molecular consequence: frameshift variant.
Genome position (GRCh38, 1-based): chr2:29,073,775, T deleted on the plus strand (A on the coding strand, the reverse complement: PCARE is on the minus strand); the first of 3 consecutive T bases (chr2:29,073,775-29,073,777); deleting any one gives the same sequence. VCF-style (leftmost placement, unchanged base first): chr2-29073774-GT-G. GRCh37 (hg19) VCF-style: chr2-29296640-GT-G.
Other names: short protein forms T163fs.
Identifiers: ClinVar variation 2794566 (VCV002794566.3), dbSNP rs1219104992, ClinGen allele CA767534398.